The following is an entry in ClinVar:

ClinVar aggregate classification (germline): Uncertain significance. Review status: criteria provided, multiple submitters, no conflicts (2 of 4 stars). 5 submissions from 5 submitters: Uncertain significance (4). 1 of the submissions does not count toward it. Last evaluated 2025-09-04.

Conditions:
RET-related disorder. Also called: RET-related disorders; RET-related condition; RET-related disease.
Multiple endocrine neoplasia, type 2 (MEN2). Identifiers: Orphanet 653, MedGen C4048306, MONDO:0019003. Disease mechanism: gain of function.

Allele frequency attached by ClinVar (database versions not stated): TOPMed below 0.00001; gnomAD exomes below 0.00001; gnomAD 0.00001.
gnomAD v4.1: 6 of 1,614,028 alleles (0.00037%); highest among the groups gnomAD compares: East Asian, 0.0067%; no homozygotes.

Submissions (5):

Color Diagnostics, LLC DBA Color Health
Classification: Uncertain significance for Multiple endocrine neoplasia, type 2. Last evaluated: 2025-09-04. Review status: criteria provided, single submitter. Criteria: ACMG Guidelines, 2015. Collection method: clinical testing. Allele origin: germline.
Comment: This variant results in a C to G substitution in the 3' untranslated region in the RET gene. To our knowledge, functional studies have not been reported for this variant. This variant has not been reported in individuals affected with RET-related disorders in the literature. This variant has been identified in 6/1614028 chromosomes in the general population by the Genome Aggregation Database (gnomAD v4). The available evidence is insufficient to determine the role of this variant in disease conclusively. Therefore, this variant is classified as a Variant of Uncertain Significance.

Women's Health and Genetics/Laboratory Corporation of America, LabCorp
Classification: Uncertain significance. Last evaluated: 2024-08-12. Review status: criteria provided, single submitter. Criteria: LabCorp Variant Classification Summary - May 2015. Collection method: clinical testing. Allele origin: germline.

Quest Diagnostics Nichols Institute San Juan Capistrano
Classification: Uncertain significance. Last evaluated: 2023-11-13. Review status: criteria provided, single submitter. Criteria: Quest Diagnostics criteria. Collection method: clinical testing. Allele origin: unknown.

GeneDx
Classification: Uncertain significance. Last evaluated: 2023-10-04. Review status: criteria provided, single submitter. Criteria: GeneDx Variant Classification Process June 2021. Collection method: clinical testing. Allele origin: germline. Affected: yes.
Comment: Not observed at significant frequency in large population cohorts (gnomAD); Located in a region that tolerates variation and lacks pathogenic variants; Has not been previously published as pathogenic or benign to our knowledge

PreventionGenetics, part of Exact Sciences
Classification: Likely benign for RET-related condition. Last evaluated: 2019-12-17. Review status: no assertion criteria provided. Collection method: clinical testing. Allele origin: germline. Not counted in ClinVar's aggregate classification.
Comment: This variant is classified as likely benign based on ACMG/AMP sequence variant interpretation guidelines (Richards et al. 2015 PMID: 25741868, with internal and published modifications).

NM_020975.6(RET):c.*6C>G

Gene: RET (ret proto-oncogene; plus strand). Cytogenetic location: 10q11.21.
Variant type: single nucleotide variant.
Coding change: c.*6C>G on transcript NM_020975.6 (MANE Select); 6 bases downstream of the stop codon, C replaced by G.
Molecular consequence: 3 prime UTR variant.
Genome position (GRCh38, 1-based): chr10:43,128,275, C>G. VCF-style: chr10-43128275-C-G. GRCh37 (hg19) VCF-style: chr10-43623723-C-G.
Other names: c.*6C>G (NM_000323.2, NM_001406743.1, NM_001406759.1 and 17 more transcripts); c.*1521C>G (NM_001355216.2, NM_001406764.1, NM_001406765.1 and 15 more transcripts).
Identifiers: ClinVar variation 1723364 (VCV001723364.8), dbSNP rs1006334638, ClinGen allele CA592898101.